The following is an entry in ClinVar:

ClinVar aggregate classification (germline): Likely pathogenic (1 of 4 stars; one submission).

Conditions:
Familial thoracic aortic aneurysm and aortic dissection (TAAD). Also called: Thoracic aortic aneurysms and dissections. Identifiers: Orphanet 91387, MedGen C4707243, MONDO:0019625.

Submission:

Ambry Genetics
Classification: Likely pathogenic for Familial thoracic aortic aneurysm and aortic dissection. Last evaluated: 2025-06-23. Review status: criteria provided, single submitter. Criteria: Ambry Variant Classification Scheme 2023. Collection method: clinical testing. Allele origin: germline.
Comment: The c.736+2T>G intronic variant results from a T to G substitution two nucleotides after coding exon 6 in the FBN1 gene. Alterations that disrupt the canonical splice site are expected to result in aberrant splicing. In silico splice site analysis predicts that this alteration will weaken the native splice donor site. A resulting transcript is predicted to be in-frame and is not expected to trigger nonsense-mediated mRNA decay; although, direct evidence is unavailable. However, the region predicted to be impacted is critical for protein function and a significant portion of the protein is predicted to be impacted (Ambry internal data). This variant is considered to be rare based on population cohorts in the Genome Aggregation Database (gnomAD). This nucleotide position is highly conserved in available vertebrate species. Based on the majority of available evidence to date, this variant is likely to be pathogenic.

NM_000138.5(FBN1):c.736+2T>G

Gene: FBN1 (fibrillin 1; minus strand). Cytogenetic location: 15q21.1.
Variant type: single nucleotide variant.
Coding change: c.736+2T>G on transcript NM_000138.5 (MANE Select); the canonical splice donor site of the intron after coding-DNA position 736, T replaced by G.
Molecular consequence: splice donor variant.
Genome position (GRCh38, 1-based): chr15:48,537,609, A>C on the plus strand (T>G on the coding strand, the complement: FBN1 is on the minus strand). VCF-style: chr15-48537609-A-C. GRCh37 (hg19) VCF-style: chr15-48829806-A-C.
Other names: c.736+2T>G (NM_001406716.1, NM_001406717.1).
Identifiers: ClinVar variation 4255450 (VCV004255450.1).